The following is an entry in ClinVar:

ClinVar aggregate classification (germline): Uncertain significance (1 of 4 stars; one submission).

gnomAD v4.1: 20 of 1,613,210 alleles (0.0012%); highest among the groups gnomAD compares: Non-Finnish European, 0.0016%; no homozygotes.

Submission:

Mayo Clinic Laboratories, Mayo Clinic
Classification: Uncertain significance. Last evaluated: 2024-08-09. Review status: criteria provided, single submitter. Criteria: ACMG Guidelines, 2015. Collection method: clinical testing. Allele origin: germline. Observed: 1 variant allele.
Comment: BP4, PM2_moderate

NM_001128228.3(TPRN):c.1649A>G (p.His550Arg)

Gene: TPRN (taperin; minus strand). Cytogenetic location: 9q34.3.
Variant type: single nucleotide variant.
Coding change: c.1649A>G on transcript NM_001128228.3 (MANE Select); coding-DNA position 1649, A replaced by G.
Protein change: p.His550Arg; replaces histidine 550 with arginine.
Molecular consequence: missense variant.
Genome position (GRCh38, 1-based): chr9:137,199,063, T>C on the plus strand (A>G on the coding strand, the complement: TPRN is on the minus strand). VCF-style: chr9-137199063-T-C. GRCh37 (hg19) VCF-style: chr9-140093515-T-C.
Other names: p.His550Arg; short protein forms H550R.
Identifiers: ClinVar variation 3379940 (VCV003379940.1).
Genomic context (GRCh38, chr9:137,199,063, plus strand): 5'-CCAGCCTTGGTGAGGCAGGACTTCTGCAGGGCCAGGTAGCCGCCAATCACCTCGATCTCA[T>C]GCACGGTGGGGTAGCGCTTCTTCAACGTGGGCCCCAGGAGGCAACTAGCCTCCTCCTCCT-3'
Protein context (NP_001121700.2, residues 540-560): PTLKKRYPTV[His550Arg]EIEVIGGYLA